The following is an entry in ClinVar:

NM_000214.3(JAG1):c.970T>C (p.Cys324Arg)

Gene: JAG1 (jagged canonical Notch ligand 1; minus strand). Cytogenetic location: 20p12.2.
Variant type: single nucleotide variant.
Coding change: c.970T>C on transcript NM_000214.3 (MANE Select); coding-DNA position 970, T replaced by C.
Protein change: p.Cys324Arg; replaces cysteine 324 with arginine.
Molecular consequence: missense variant.
Genome position (GRCh38, 1-based): chr20:10,652,167, A>G on the plus strand (T>C on the coding strand, the complement: JAG1 is on the minus strand). VCF-style: chr20-10652167-A-G. GRCh37 (hg19) VCF-style: chr20-10632815-A-G.
Other names: short protein forms C324R.
Identifiers: ClinVar variation 3573205 (VCV003573205.2).
Genomic context (GRCh38, chr20:10,652,167, plus strand): 5'-TCTCATTCATCTTGGACCACTTACCAATTTCACAGTTGGGTCCTGAATACCCCTCAGGGC[A>G]GGAACACTGATATTTGTCAGGGCCTGTGTTGCTACAAGTTCCCCCGTTGAGACACGGCTG-3'
Protein context (NP_000205.1, residues 314-334): NTGPDKYQCS[Cys324Arg]PEGYSGPNCE

Conditions:
Arteriohepatic dysplasia. Also called: Alagille Syndrome. Identifiers: Orphanet 52, MedGen C0085280, MeSH D016738, MONDO:0007318.

Submission:

Gilbert/Spinner Lab, Children's Hospital of Philadelphia
No classification provided (evidence only). Condition: Alagille syndrome. Review status: no classification provided. Collection method: research. Allele origin: not applicable. Functional consequence: functionally_abnormal.
ClinVar note: "not provided" was previously submitted as the classification for the variant. However, the classification appeared to be based only on an observation of functional data so it was converted to no classification on 2025-07-30.